The following is an entry in ClinVar:

ClinVar aggregate classification (germline): Pathogenic (1 of 4 stars; one submission).

Allele frequency attached by ClinVar (database versions not stated): TOPMed 0.00003; 1000 Genomes Project 0.00020; 1000 Genomes Project 30x 0.00031.
gnomAD v4.1: 44 of 1,614,072 alleles (0.0027%); highest among the groups gnomAD compares: East Asian, 0.027%; no homozygotes.

Submission:

Labcorp Genetics (formerly Invitae), Labcorp
Classification: Pathogenic. Last evaluated: 2024-01-16. Review status: criteria provided, single submitter. Criteria: Invitae Variant Classification Sherloc (09022015). Collection method: clinical testing. Allele origin: germline.
Comment: This sequence change creates a premature translational stop signal (p.Arg100*) in the ABCC2 gene. It is expected to result in an absent or disrupted protein product. Loss-of-function variants in ABCC2 are known to be pathogenic (PMID: 9185779, 16549534, 16952291). This variant is present in population databases (rs529588584, gnomAD 0.01%). This premature translational stop signal has been observed in individual(s) with Dubin-Johnson syndrome (PMID: 14662121, 32758197). For these reasons, this variant has been classified as Pathogenic.

Literature cited by the submitters: PubMed 9185779; PubMed 16549534; PubMed 16952291; PubMed 14662121; PubMed 32758197.

NM_000392.5(ABCC2):c.298C>T (p.Arg100Ter)

Gene: ABCC2 (ATP binding cassette subfamily C member 2; plus strand). Cytogenetic location: 10q24.2.
Variant type: single nucleotide variant.
Coding change: c.298C>T on transcript NM_000392.5 (MANE Select); coding-DNA position 298, C replaced by T.
Protein change: p.Arg100Ter; replaces arginine 100 with a stop codon.
Molecular consequence: nonsense.
Genome position (GRCh38, 1-based): chr10:99,792,324, C>T. VCF-style: chr10-99792324-C-T. GRCh37 (hg19) VCF-style: chr10-101552081-C-T.
Other names: short protein forms R100*.
Identifiers: ClinVar variation 2735464 (VCV002735464.4), dbSNP rs529588584, ClinGen allele CA5642834.